The following is an entry in ClinVar:

ClinVar aggregate classification (germline): Pathogenic (1 of 4 stars; one submission).

Conditions:
Tyrosinase-positive oculocutaneous albinism (OCA2). Also called: ALBINISM II; Oculocutaneous albinism type 2; Albinism, oculocutaneous, type II. Identifiers: Orphanet 79432, MedGen C0268495, MONDO:0008746, OMIM 203200.

Submission:

Myriad Genetics, Inc.
Classification: Pathogenic for Tyrosinase-positive oculocutaneous albinism. Last evaluated: 2026-05-09. Review status: criteria provided, single submitter. Criteria: Myriad Autosomal Dominant, Autosomal Recessive and X-Linked Classification Criteria (2023). Collection method: clinical testing. Allele origin: unknown.
Comment: NM_000275.2(OCA2):c.2058delAinsCC(A687Rfs*54) is expected to be pathogenic in the context of oculocutaneous albinism, OCA2-related. This variant is predicted to lead to an abnormal or absent protein product due to the creation of a premature termination codon in OCA2, a gene where loss-of-function variants are known to be pathogenic. Please note: this variant was assessed in the context of healthy population screening.

NM_000275.3(OCA2):c.2058delinsCC (p.Ala687fs)

Gene: OCA2 (OCA2 melanosomal transmembrane protein; minus strand). Cytogenetic location: 15q13.1.
Variant type: Indel.
Coding change: c.2058delinsCC on transcript NM_000275.3 (MANE Select); coding-DNA position 2058, A replaced by CC.
Protein change: p.Ala687fs; shifts the reading frame from alanine 687.
Molecular consequence: frameshift variant.
Genome position (GRCh38, 1-based): chr15:27,926,148, T replaced by GG on the plus strand (A replaced by CC on the coding strand, the reverse complement: OCA2 is on the minus strand). VCF-style: chr15-27926148-T-GG. GRCh37 (hg19) VCF-style: chr15-28171294-T-GG.
Other names: c.1986delinsCC, p.Ala663fs (NM_001300984.2); short protein forms A663fs, A687fs.
Identifiers: ClinVar variation 5015894 (VCV005015894.1).